The following is an entry in ClinVar:

ClinVar aggregate classification (germline): Benign. Review status: criteria provided, multiple submitters, no conflicts (2 of 4 stars). 2 submissions from 2 submitters: Benign (2). Last evaluated 2018-06-19.

Allele frequency attached by ClinVar (database versions not stated): gnomAD 0.44580 and 0.43665; 1000 Genomes Project 30x 0.52233; 1000 Genomes Project 0.52736; TOPMed 0.44537.
gnomAD v4.1: 67,732 of 152,046 alleles (45%); highest among the groups gnomAD compares: East Asian, 70%; 15,616 homozygotes.

Submissions (2):

GeneDx
Classification: Benign. Last evaluated: 2018-06-19. Review status: criteria provided, single submitter. Criteria: GeneDx Variant Classification (06012015). Collection method: clinical testing. Allele origin: germline. Affected: yes.
Comment: This variant is considered likely benign or benign based on one or more of the following criteria: it is a conservative change, it occurs at a poorly conserved position in the protein, it is predicted to be benign by multiple in silico algorithms, and/or has population frequency not consistent with disease.

Breakthrough Genomics
Classification: Benign. Review status: criteria provided, single submitter. Criteria: ACMG Guidelines, 2015. Collection method: not provided. Allele origin: germline. Inheritance: Autosomal recessive inheritance. Affected: yes.

NM_000274.4(OAT):c.901-154A>G

Gene: OAT (ornithine aminotransferase; minus strand). Cytogenetic location: 10q26.13.
Variant type: single nucleotide variant.
Coding change: c.901-154A>G on transcript NM_000274.4 (MANE Select); 154 bases into the intron before coding-DNA position 901, A replaced by G.
Molecular consequence: intron variant.
Genome position (GRCh38, 1-based): chr10:124,401,993, T>C on the plus strand (A>G on the coding strand, the complement: OAT is on the minus strand). VCF-style: chr10-124401993-T-C. GRCh37 (hg19) VCF-style: chr10-126090562-T-C.
Other names: c.901-154A>G (NM_001322965.2, NM_001322969.2, NM_001322966.2 and 3 more transcripts); c.487-154A>G (NM_001171814.2); c.301-154A>G (NM_001322974.2); c.580-154A>G (NM_001322971.2).
Identifiers: ClinVar variation 672113 (VCV000672113.2), dbSNP rs2491159, ClinGen allele CA13207416.